The following is an entry in ClinVar:

NM_000642.3(AGL):c.1858_1859del (p.Leu620fs)

Gene: AGL (amylo-alpha-1,6-glucosidase and 4-alpha-glucanotransferase; plus strand). Cytogenetic location: 1p21.2.
Variant type: Deletion.
Coding change: c.1858_1859del on transcript NM_000642.3 (MANE Select); coding-DNA positions 1858 to 1859, 2 bases deleted (CT; older notation c.1858_1859delCT).
Protein change: p.Leu620fs; shifts the reading frame from leucine 620.
Molecular consequence: frameshift variant.
Genome position (GRCh38, 1-based): chr1:99,880,754-99,880,755, CT deleted. VCF-style (leftmost placement, unchanged base first): chr1-99880753-CCT-C. GRCh37 (hg19) VCF-style: chr1-100346309-CCT-C.
Other names: c.1858_1859delCT (NM_000642.2); c.1858_1859delCT, p.Leu620Valfs (NM_000028.3, NM_001425325.1, NM_001425326.1 and 2 more transcripts); c.1810_1811delCT, p.Leu604Valfs (NM_000646.3); c.1657_1658delCT, p.Leu553Valfs (NM_001425327.1); c.1654_1655delCT, p.Leu552Valfs (NM_001425328.1, NM_001425329.1); c.1480_1481delCT, p.Leu494Valfs (NM_001425332.1); short protein forms L604fs, L620fs.
Identifiers: ClinVar variation 1916203 (VCV001916203.6), dbSNP rs2524644013, ClinGen allele CA2580063390.
Genomic context (GRCh38, chr1:99,880,753, plus strand): 5'-ACCTGTTGGATCCTTTGTTCAGCCCTGTTTGAGGCCTTTAATGCCAGCTATTGCACATGC[CCT>C]GTTTATGGATATTACGCATGATAATGAGTGTCCTATTGTGGTAAGCACCTAATCTTTTTC-3'

ClinVar aggregate classification (germline): Pathogenic. Review status: criteria provided, multiple submitters, no conflicts (2 of 4 stars). 2 submissions from 2 submitters: Pathogenic (2). Last evaluated 2024-11-10.

Conditions:
Glycogen storage disease type III (GSD3). Also called: Cori disease; FORBES DISEASE. Identifiers: Orphanet 366, MedGen C0017922, MONDO:0009291, OMIM 232400.

Submissions (2):

Natera, Inc.
Classification: Pathogenic for Glycogen storage disease type III. Last evaluated: 2024-11-10. Review status: criteria provided, single submitter. Criteria: Natera Variant Classification Schema (03/2026). Collection method: clinical testing. Allele origin: germline.
Comment: The c.1858_1859delCT variant in AGL is a frameshift variant predicted to shift the reading frame beginning at codon 620 and leads to a stop codon 7 codons downstream. This variant is expected to result in nonsense mediated decay, truncation, or a dysfunctional protein product. This variant is rare in the general population with a frequency below the threshold expected for the associated phenotype(s). This variant has been observed in one or more individuals affected with the associated recessive disease, as either homozygous or compound heterozygous with a second variant (PMID: 31508908). Given the available evidence, this variant is classified as Pathogenic.

Labcorp Genetics (formerly Invitae), Labcorp
Classification: Pathogenic for Glycogen storage disease type III. Last evaluated: 2022-03-25. Review status: criteria provided, single submitter. Criteria: Invitae Variant Classification Sherloc (09022015). Collection method: clinical testing. Allele origin: germline.
Comment: This variant is not present in population databases (gnomAD no frequency). This sequence change creates a premature translational stop signal (p.Leu620Valfs*7) in the AGL gene. It is expected to result in an absent or disrupted protein product. Loss-of-function variants in AGL are known to be pathogenic (PMID: 19299494). For these reasons, this variant has been classified as Pathogenic. This premature translational stop signal has been observed in individual(s) with glycogen storage disease (PMID: 31508908).

Literature cited by the submitters: PubMed 31508908 (cited by Natera, Inc. and Labcorp Genetics (formerly Invitae), Labcorp); PubMed 19299494 (cited by Labcorp Genetics (formerly Invitae), Labcorp).